The following is an entry in ClinVar:

NM_004415.4(DSP):c.7642C>T (p.Arg2548Ter)

Gene: DSP (desmoplakin; plus strand). Cytogenetic location: 6p24.3.
Variant type: single nucleotide variant.
Coding change: c.7642C>T on transcript NM_004415.4 (MANE Select); coding-DNA position 7642, C replaced by T.
Protein change: p.Arg2548Ter; replaces arginine 2548 with a stop codon.
Molecular consequence: nonsense.
Genome position (GRCh38, 1-based): chr6:7,584,904, C>T. VCF-style: chr6-7584904-C-T. GRCh37 (hg19) VCF-style: chr6-7585137-C-T.
Other names: c.5845C>T, p.Arg1949Ter (NM_001008844.3); c.6313C>T, p.Arg2105Ter (NM_001319034.2); c.7642C>T (NM_004415.2); short protein forms R1949*, R2105*, R2548*.
Identifiers: ClinVar variation 984931 (VCV000984931.2), dbSNP rs146296069, ClinGen allele CA362693464.

ClinVar aggregate classification (germline): Pathogenic. Review status: criteria provided, multiple submitters, no conflicts (2 of 4 stars). 2 submissions from 2 submitters: Pathogenic (2). Last evaluated 2026-09-14.

Conditions:
Cardiovascular phenotype. Identifiers: MedGen CN230736.
Arrhythmogenic right ventricular dysplasia 8 (ARVD8). Also called: Arrhythmogenic Right Ventricular Dysplasia/Cardiomyopathy 8; ARRHYTHMOGENIC RIGHT VENTRICULAR DYSPLASIA, FAMILIAL, 8; ARRHYTHMOGENIC RIGHT VENTRICULAR CARDIOMYOPATHY 8. Identifiers: MedGen C1843896, MONDO:0011831, OMIM 607450.

Submissions (2):

Ambry Genetics
Classification: Pathogenic for Cardiovascular phenotype. Last evaluated: 2026-09-14. Review status: criteria provided, single submitter. Criteria: Ambry Variant Classification Scheme 2023. Collection method: clinical testing. Allele origin: germline.
Comment: The p.R2548* pathogenic mutation (also known as c.7642C>T), located in coding exon 24 of the DSP gene, results from a C to T substitution at nucleotide position 7642. This changes the amino acid from an arginine to a stop codon within coding exon 24. This variant was reported in individual(s) with features consistent with arrhythmogenic right ventricular cardiomyopathy (ARVC) and dilated cardiomyopathy (DCM) (Bourfiss M et al. Circ Genom Precis Med, 2022 Dec;15:e003704). In addition, this variant has been identified in the homozygous state and/or in conjunction with other DSP variant(s) in individual(s) with features consistent with DSP-related cardiocutaneous spectrum disorders; in at least one instance, the variants were identified in trans (Yang M et al. Case Rep Dermatol, 2025 Aug;17:464-470). This variant is considered to be rare based on population cohorts in the Genome Aggregation Database (gnomAD). This alteration is expected to result in loss of function by premature protein truncation or nonsense-mediated mRNA decay. As such, this alteration is interpreted as a disease-causing mutation.

Rady Children's Institute for Genomic Medicine, Rady Children's Hospital San Diego
Classification: Pathogenic for ARRHYTHMOGENIC RIGHT VENTRICULAR DYSPLASIA, FAMILIAL, 8. Last evaluated: 2019-11-04. Review status: criteria provided, single submitter. Criteria: ACMG Guidelines, 2015. Collection method: clinical testing. Allele origin: germline. Affected: yes.
Comment: This nonsense mutation is found in the last exon of DSP; the functional consequence of this variant is therefore difficult to predict. However, several loss of function variants further C-terminal than this variant have been associated with arrhythmogenic right ventricular cardiomyopathy, dilated cardiomyopathy, or sudden cardiac death (PMID: 11063735, 20400443, 21859740, 25227139, 27532257, 27698334, 28416588, 28527814). This variant has not been previously reported or functionally characterized in the literature to our knowledge. It is absent from the ExAC and gnomAD population databases and thus is presumed to be rare. Based on the available evidence, the c.7642C>T (p.Arg2548Ter) variant is classified as Pathogenic.

Literature cited by the submitters: PubMed 36264615 (cited by Ambry Genetics); PubMed 41064314 (cited by Ambry Genetics).